The following is an entry in ClinVar:

NM_152268.4(PARS2):c.166G>C (p.Val56Leu)

Gene: PARS2 (prolyl-tRNA synthetase 2, mitochondrial; minus strand). Cytogenetic location: 1p32.3.
Variant type: single nucleotide variant.
Coding change: c.166G>C on transcript NM_152268.4 (MANE Select); coding-DNA position 166, G replaced by C.
Protein change: p.Val56Leu; replaces valine 56 with leucine.
Molecular consequence: missense variant.
Genome position (GRCh38, 1-based): chr1:54,758,996, C>G on the plus strand (G>C on the coding strand, the complement: PARS2 is on the minus strand). VCF-style: chr1-54758996-C-G. GRCh37 (hg19) VCF-style: chr1-55224669-C-G.
Other names: c.166G>C (NM_152268.3); short protein forms V56L.
Identifiers: ClinVar variation 1904156 (VCV001904156.6), dbSNP rs1331881702, ClinGen allele CA340466476.
Genomic context (GRCh38, chr1:54,758,996, plus strand): 5'-GCAGCATCAGCCGCTGGCTCTTACAGGTCAGGTCATCAGATTTGTCCTGCAGGGAGAGCA[C>G]CCGGTCTTCCCGAAGGTTCTGTGGCTGGAACACACGAGACAGCAGCAGGCGCCGCCCTCT-3'
Protein context (NP_689481.2, residues 46-66): FQPQNLREDR[Val56Leu]LSLQDKSDDL

ClinVar aggregate classification (germline): Uncertain significance. Review status: criteria provided, multiple submitters, no conflicts (2 of 4 stars). 2 submissions from 2 submitters: Uncertain significance (2). Last evaluated 2025-11-24.

Conditions:
Inborn genetic diseases. Identifiers: MedGen C0950123, MeSH D030342.

Allele frequency attached by ClinVar (database versions not stated): gnomAD 0.00001.
gnomAD v4.1: 3 of 1,614,040 alleles (0.00019%); highest among the groups gnomAD compares: African/African-American, 0.0027%; no homozygotes.

Submissions (2):

Ambry Genetics
Classification: Uncertain significance for Inborn genetic diseases. Last evaluated: 2025-11-24. Review status: criteria provided, single submitter. Criteria: Ambry Variant Classification Scheme 2023. Collection method: clinical testing. Allele origin: germline.

Labcorp Genetics (formerly Invitae), Labcorp
Classification: Uncertain significance. Last evaluated: 2022-11-08. Review status: criteria provided, single submitter. Criteria: Invitae Variant Classification Sherloc (09022015). Collection method: clinical testing. Allele origin: germline.
Comment: Algorithms developed to predict the effect of missense changes on protein structure and function output the following: SIFT: "Tolerated"; PolyPhen-2: "Benign"; Align-GVGD: "Class C0". The leucine amino acid residue is found in multiple mammalian species, which suggests that this missense change does not adversely affect protein function. In summary, the available evidence is currently insufficient to determine the role of this variant in disease. Therefore, it has been classified as a Variant of Uncertain Significance. This variant has not been reported in the literature in individuals affected with PARS2-related conditions. This variant is present in population databases (no rsID available, gnomAD 0.007%). This sequence change replaces valine, which is neutral and non-polar, with leucine, which is neutral and non-polar, at codon 56 of the PARS2 protein (p.Val56Leu).